The following is an entry in ClinVar:

NM_000352.6(ABCC8):c.1660G>C (p.Ala554Pro)

Gene: ABCC8 (ATP binding cassette subfamily C member 8; minus strand). Cytogenetic location: 11p15.1.
Variant type: single nucleotide variant.
Coding change: c.1660G>C on transcript NM_000352.6 (MANE Select); coding-DNA position 1660, G replaced by C.
Protein change: p.Ala554Pro; replaces alanine 554 with proline.
Molecular consequence: missense variant. On other transcripts: non-coding transcript variant (1).
Genome position (GRCh38, 1-based): chr11:17,432,215, C>G on the plus strand (G>C on the coding strand, the complement: ABCC8 is on the minus strand). VCF-style: chr11-17432215-C-G. GRCh37 (hg19) VCF-style: chr11-17453762-C-G.
Other names: c.1660G>C, p.Ala554Pro (NM_001287174.3, NM_001351295.2); c.1657G>C, p.Ala553Pro (NM_001351296.2, NM_001351297.2); short protein forms A554P, A553P.
Identifiers: ClinVar variation 4998459 (VCV004998459.1).

ClinVar aggregate classification (germline): Uncertain significance (1 of 4 stars; one submission).

Conditions:
ABCC8-related disorder.

Submission:

PreventionGenetics, part of Exact Sciences
Classification: Uncertain significance for ABCC8-related condition. Last evaluated: 2025-06-23. Review status: criteria provided, single submitter. Criteria: ACMG Guidelines, 2015. Collection method: clinical testing. Allele origin: germline.
Comment: The ABCC8 c.1660G>C variant is predicted to result in the amino acid substitution p.Ala554Pro. To our knowledge, this variant has not been reported in the literature or in a large population database (gnomAD), indicating this variant is rare. At this time, the clinical significance of this variant is uncertain due to the absence of conclusive functional and genetic evidence.